The following is an entry in ClinVar:

NM_000789.4(ACE):c.1922-199C>T

Gene: ACE (angiotensin I converting enzyme; plus strand). Cytogenetic location: 17q23.3.
Variant type: single nucleotide variant.
Coding change: c.1922-199C>T on transcript NM_000789.4 (MANE Select); 199 bases into the intron before coding-DNA position 1922, C replaced by T.
Molecular consequence: intron variant. On other transcripts: missense variant (2), non-coding transcript variant (1).
Genome position (GRCh38, 1-based): chr17:63,485,037, C>T. VCF-style: chr17-63485037-C-T. GRCh37 (hg19) VCF-style: chr17-61562398-C-T.
Other names: c.170C>T, p.Thr57Met (NM_001178057.2, NM_152830.3); c.1070-199C>T (NM_001382701.1); c.1355-199C>T (NM_001382700.1); c.-150+68C>T (NM_001382702.1); short protein forms T57M.
Identifiers: ClinVar variation 2629430 (VCV002629430.1), dbSNP rs760045141, ClinGen allele CA8699792.

ClinVar aggregate classification (germline): Uncertain significance (1 of 4 stars; one submission).

Conditions:
ACE-related disorder. Also called: ACE-related condition; ACE-related disorders.

Allele frequency attached by ClinVar (database versions not stated): gnomAD exomes 0.00003; ExAC 0.00007.

Submission:

PreventionGenetics, part of Exact Sciences
Classification: Uncertain significance for ACE-related condition. Last evaluated: 2023-04-05. Review status: criteria provided, single submitter. Criteria: ACMG Guidelines, 2015. Collection method: clinical testing. Allele origin: germline.
Comment: The ACE c.170C>T variant is predicted to result in the amino acid substitution p.Thr57Met. To our knowledge, this variant has not been reported in the literature. This variant is reported in 0.0030% of alleles in individuals of Latino descent in gnomAD. At this time, the clinical significance of this variant is uncertain due to the absence of conclusive functional and genetic evidence.